The following is an entry in ClinVar:

NM_014362.4(HIBCH):c.1118A>G (p.Asn373Ser)

Gene: HIBCH (3-hydroxyisobutyryl-CoA hydrolase; minus strand). Cytogenetic location: 2q32.2.
Variant type: single nucleotide variant.
Coding change: c.1118A>G on transcript NM_014362.4 (MANE Select); coding-DNA position 1118, A replaced by G.
Protein change: p.Asn373Ser; replaces asparagine 373 with serine.
Molecular consequence: missense variant. On other transcripts: 3 prime UTR variant (1).
Genome position (GRCh38, 1-based): chr2:190,205,160, T>C on the plus strand (A>G on the coding strand, the complement: HIBCH is on the minus strand). VCF-style: chr2-190205160-T-C. GRCh37 (hg19) VCF-style: chr2-191069886-T-C.
Other names: c.*67A>G (NM_198047.3); short protein forms N373S.
Identifiers: ClinVar variation 1802983 (VCV001802983.1), dbSNP rs2468618991, ClinGen allele CA349893144.
Genomic context (GRCh38, chr2:190,205,160, plus strand): 5'-CTTAAAAGCCTGTCACCTCAAAATTTCAAATCACTGCTTCCCAAAGACTTAAAGTGATTA[T>C]TCAAATCTTCCTCAGTAACTTCTTTTAGATCAGCTGGTTTCCATTTTGGACTCTGGTCTT-3'
Protein context (NP_055177.2, residues 363-383): DLKEVTEEDL[Asn373Ser]NHFKSLGSSD

ClinVar aggregate classification (germline): Uncertain significance (1 of 4 stars; one submission).

Submission:

Pediatric Department, Xiangya Hospital, Central South University
Classification: Uncertain significance. Review status: criteria provided, single submitter. Criteria: ACMG Guidelines, 2015. Collection method: clinical testing. Allele origin: paternal. Inheritance: Autosomal recessive inheritance. Affected: yes. Observed: 2 compound heterozygotes. Clinical features observed: Behavioral abnormality.
Comment: This variant was observed in compound heterozygosity with variant (c.810-4A>G)